The following is an entry in ClinVar:

NM_018063.5(HELLS):c.1646A>C (p.Asn549Thr)

Gene: HELLS (helicase, lymphoid specific; plus strand). Cytogenetic location: 10q23.33.
Variant type: single nucleotide variant.
Coding change: c.1646A>C on transcript NM_018063.5 (MANE Select); coding-DNA position 1646, A replaced by C.
Protein change: p.Asn549Thr; replaces asparagine 549 with threonine.
Molecular consequence: missense variant.
Genome position (GRCh38, 1-based): chr10:94,590,655, A>C. VCF-style: chr10-94590655-A-C. GRCh37 (hg19) VCF-style: chr10-96350412-A-C.
Other names: c.1784A>C, p.Asn595Thr (NM_001289067.2); c.1598A>C, p.Asn533Thr (NM_001289068.2); c.1550A>C, p.Asn517Thr (NM_001289069.2); c.1352A>C, p.Asn451Thr (NM_001289070.2); c.1274A>C, p.Asn425Thr (NM_001289071.2); c.1256A>C, p.Asn419Thr (NM_001289072.2); c.1232A>C, p.Asn411Thr (NM_001289073.2); c.563A>C, p.Asn188Thr (NM_001289074.2); and 1 more; short protein forms N188T, N419T, N549T, N595T, N451T, N517T, N143T, N411T.
Identifiers: ClinVar variation 2079972 (VCV002079972.3), dbSNP rs1464788442, ClinGen allele CA377666249.

ClinVar aggregate classification (germline): Uncertain significance (1 of 4 stars; one submission).

Submission:

Labcorp Genetics (formerly Invitae), Labcorp
Classification: Uncertain significance. Last evaluated: 2022-10-24. Review status: criteria provided, single submitter. Criteria: Invitae Variant Classification Sherloc (09022015). Collection method: clinical testing. Allele origin: germline.
Comment: In summary, the available evidence is currently insufficient to determine the role of this variant in disease. Therefore, it has been classified as a Variant of Uncertain Significance. Algorithms developed to predict the effect of missense changes on protein structure and function (SIFT, PolyPhen-2, Align-GVGD) all suggest that this variant is likely to be tolerated. This sequence change replaces asparagine, which is neutral and polar, with threonine, which is neutral and polar, at codon 549 of the HELLS protein (p.Asn549Thr). This variant is not present in population databases (gnomAD no frequency). This variant has not been reported in the literature in individuals affected with HELLS-related conditions.